The following is an entry in ClinVar:

ClinVar aggregate classification (germline): Uncertain significance (1 of 4 stars; one submission).

Conditions:
Ritscher-Schinzel syndrome 1 (RTSC1). Identifiers: Orphanet 7, MedGen C4551776, MONDO:0009073, OMIM 220210.

Allele frequency attached by ClinVar (database versions not stated): gnomAD exomes below 0.00001.
gnomAD v4.1: 1 of 1,614,134 alleles (0.000062%); highest among the groups gnomAD compares: Non-Finnish European, 0.000085%; no homozygotes.

Submission:

Laboratorio de Genetica e Diagnostico Molecular, Hospital Israelita Albert Einstein
Classification: Uncertain significance for Ritscher-Schinzel syndrome 1. Last evaluated: 2022-04-19. Review status: criteria provided, single submitter. Criteria: ACMG Guidelines, 2015. Collection method: clinical testing. Allele origin: germline. Affected: yes. Observed: 1 variant allele.
Comment: ACMG classification criteria: PM2 moderated, PP3 supporting

NM_014846.4(WASHC5):c.1136A>G (p.His379Arg)

Gene: WASHC5 (WASH complex subunit 5; minus strand). Cytogenetic location: 8q24.13.
Variant type: single nucleotide variant.
Coding change: c.1136A>G on transcript NM_014846.4 (MANE Select); coding-DNA position 1136, A replaced by G.
Protein change: p.His379Arg; replaces histidine 379 with arginine.
Molecular consequence: missense variant.
Genome position (GRCh38, 1-based): chr8:125,073,167, T>C on the plus strand (A>G on the coding strand, the complement: WASHC5 is on the minus strand). VCF-style: chr8-125073167-T-C. GRCh37 (hg19) VCF-style: chr8-126085409-T-C.
Other names: c.692A>G, p.His231Arg (NM_001330609.2); short protein forms H231R, H379R.
Identifiers: ClinVar variation 2431685 (VCV002431685.1), dbSNP rs1433996127, ClinGen allele CA372194085.